The following is an entry in ClinVar:

NM_001384732.1(CPLANE1):c.3557A>G (p.Lys1186Arg)

Gene: CPLANE1 (ciliogenesis and planar polarity effector complex subunit 1; minus strand). Cytogenetic location: 5p13.2.
Variant type: single nucleotide variant.
Coding change: c.3557A>G on transcript NM_001384732.1 (MANE Select); coding-DNA position 3557, A replaced by G.
Protein change: p.Lys1186Arg; replaces lysine 1186 with arginine.
Molecular consequence: missense variant.
Genome position (GRCh38, 1-based): chr5:37,198,817, T>C on the plus strand (A>G on the coding strand, the complement: CPLANE1 is on the minus strand). VCF-style: chr5-37198817-T-C. GRCh37 (hg19) VCF-style: chr5-37198919-T-C.
Other names: c.3557A>G, p.Lys1186Arg (NM_023073.4); short protein forms K1186R.
Identifiers: ClinVar variation 1404048 (VCV001404048.5), dbSNP rs747382965, ClinGen allele CA3238912.
Genomic context (GRCh38, chr5:37,198,817, plus strand): 5'-GGAAAAGAACACTGAGCCGCCCGGAAAAGCAGGAGAACACGCTGAAGGATTCCAGATACC[T>C]TCTGGCGATTATTTTTTTCAGCTTTTAAAAGAAGATCATCACCATCTTCCTGAGGAAAAT-3'
Protein context (NP_001371661.1, residues 1176-1196): LLKAEKNNRQ[Lys1186Arg]VSGILQRVLL

ClinVar aggregate classification (germline): Uncertain significance. Review status: criteria provided, multiple submitters, no conflicts (2 of 4 stars). 3 submissions from 3 submitters: Uncertain significance (3). Last evaluated 2025-12-16.

Conditions:
Joubert syndrome 17 (JBTS17). Identifiers: Orphanet 475, MedGen C3553264, MONDO:0013824, OMIM 614615.
Orofaciodigital syndrome type 6 (OFD6). Also called: OROFACIODIGITAL SYNDROME VI; OFDS VI; POLYDACTYLY, CLEFT LIP/PALATE OR LINGUAL LUMP, AND PSYCHOMOTOR RETARDATION; VARADI SYNDROME; VARADI-PAPP SYNDROME; Oral-facial-digital syndrome type 6. Identifiers: Orphanet 2754, MedGen C2745997, MONDO:0010176, OMIM 277170.
Inborn genetic diseases. Identifiers: MedGen C0950123, MeSH D030342.

Allele frequency attached by ClinVar (database versions not stated): gnomAD 0.00001; gnomAD exomes 0.00001 and 0.00004; TOPMed 0.00001; ExAC 0.00002.
gnomAD v4.1: 23 of 1,613,950 alleles (0.0014%); highest among the groups gnomAD compares: Admixed American, 0.01%; no homozygotes.

Submissions (3):

Ambry Genetics
Classification: Uncertain significance for Inborn genetic diseases. Last evaluated: 2025-12-16. Review status: criteria provided, single submitter. Criteria: Ambry Variant Classification Scheme 2023. Collection method: clinical testing. Allele origin: germline.

Labcorp Genetics (formerly Invitae), Labcorp
Classification: Uncertain significance. Last evaluated: 2022-08-15. Review status: criteria provided, single submitter. Criteria: Invitae Variant Classification Sherloc (09022015). Collection method: clinical testing. Allele origin: germline.
Comment: This sequence change replaces lysine, which is basic and polar, with arginine, which is basic and polar, at codon 1186 of the CPLANE1 protein (p.Lys1186Arg). This variant is present in population databases (rs747382965, gnomAD 0.02%). This variant has not been reported in the literature in individuals affected with CPLANE1-related conditions. ClinVar contains an entry for this variant (Variation ID: 1404048). Advanced modeling of protein sequence and biophysical properties (such as structural, functional, and spatial information, amino acid conservation, physicochemical variation, residue mobility, and thermodynamic stability) performed at Invitae indicates that this missense variant is not expected to disrupt CPLANE1 protein function. Algorithms developed to predict the effect of sequence changes on RNA splicing suggest that this variant may disrupt the consensus splice site. In summary, the available evidence is currently insufficient to determine the role of this variant in disease. Therefore, it has been classified as a Variant of Uncertain Significance.

Fulgent Genetics
Classification: Uncertain significance for Orofaciodigital syndrome type 6; Joubert syndrome 17. Last evaluated: 2021-10-27. Review status: criteria provided, single submitter. Criteria: ACMG Guidelines, 2015. Collection method: clinical testing. Allele origin: unknown.